The following is an entry in ClinVar:

NM_006015.6(ARID1A):c.*3G>A

Gene: ARID1A (AT-rich interaction domain 1A; plus strand). Cytogenetic location: 1p36.11.
Variant type: single nucleotide variant.
Coding change: c.*3G>A on transcript NM_006015.6 (MANE Select); 3 bases downstream of the stop codon, G replaced by A.
Molecular consequence: 3 prime UTR variant.
Genome position (GRCh38, 1-based): chr1:26,780,759, G>A. VCF-style: chr1-26780759-G-A. GRCh37 (hg19) VCF-style: chr1-27107250-G-A.
Other names: c.*3G>A (NM_139135.4).
Identifiers: ClinVar variation 1800549 (VCV001800549.1), dbSNP rs2124153819, ClinGen allele CA2580062650.

ClinVar aggregate classification (germline): Uncertain significance (1 of 4 stars; one submission).

Submission:

GeneDx
Classification: Uncertain significance. Last evaluated: 2022-05-18. Review status: criteria provided, single submitter. Criteria: GeneDx Variant Classification Process June 2021. Collection method: clinical testing. Allele origin: germline. Affected: yes.
Comment: Not observed at significant frequency in large population cohorts (gnomAD); Has not been previously published as pathogenic or benign to our knowledge; Regulatory variants have not been reported in the Human Gene Mutation Database in individuals with ARID1A-related disorders (HGMD)